The following is an entry in ClinVar:

NM_014780.5(CUL7):c.2213_2235del (p.Val738fs)

Gene: CUL7 (cullin 7; minus strand). Cytogenetic location: 6p21.1.
Variant type: Deletion.
Coding change: c.2213_2235del on transcript NM_014780.5 (MANE Select); coding-DNA positions 2213 to 2235, 23 bases deleted (TGAGCAGGGACTATGCCGTGGTG).
Protein change: p.Val738fs; shifts the reading frame from valine 738.
Molecular consequence: frameshift variant.
Genome position (GRCh38, 1-based): chr6:43,047,042-43,047,064, CACCACGGCATAGTCCCTGCTCA deleted on the plus strand (TGAGCAGGGACTATGCCGTGGTG on the coding strand, the reverse complement: CUL7 is on the minus strand); deleting any 23 consecutive bases within chr6:43,047,042-43,047,065 gives the same sequence; the c. name uses the placement nearest the transcript's 3' end. VCF-style (leftmost placement, unchanged base first): chr6-43047041-GCACCACGGCATAGTCCCTGCTCA-G. GRCh37 (hg19) VCF-style: chr6-43014779-GCACCACGGCATAGTCCCTGCTCA-G.
Other names: p.Val738AlafsTer35; c.2309_2331del, p.Val770fs (NM_001168370.2, NM_001374872.1); c.2213_2235del, p.Val738fs (NM_001374873.1, NM_001374874.1); short protein forms V738fs, V770fs.
Identifiers: ClinVar variation 3255581 (VCV003255581.3).

ClinVar aggregate classification (germline): Pathogenic/Likely pathogenic. Review status: criteria provided, multiple submitters, no conflicts (2 of 4 stars). 2 submissions from 2 submitters: Pathogenic (1); Likely pathogenic (1). Last evaluated 2023-04-10.

Conditions:
3M syndrome 1. Also called: 3-M Syndrome, CUL7-Related. Identifiers: Orphanet 2616, MedGen C2678312, MONDO:0010117, OMIM 273750.
CUL7-related disorder. Also called: CUL7-related condition.

Submissions (2):

Breakthrough Genomics
Classification: Likely pathogenic for 3M syndrome 1. Last evaluated: 2023-04-10. Review status: criteria provided, single submitter. Criteria: ACMG Guidelines, 2015. Collection method: clinical testing. Allele origin: germline. Affected: yes.
Comment: This variant has not been previously reported in population databases or in the literature. However, several other truncating variants lying downstream of the variant, have been previously reported as pathogenic in the ClinVar database. Loss-of-function variants in CUL7 are known to be pathogenic [PMID: 16142236, 17675530, 19225462].

Blueprint Genetics
Classification: Pathogenic for CUL7-related disorders. Last evaluated: 2021-12-23. Review status: criteria provided, single submitter. Criteria: ACMG Guidelines, 2015. Collection method: clinical testing. Allele origin: germline. Affected: yes. Observed: 1 variant allele.